The following is an entry in ClinVar:

ClinVar aggregate classification (germline): Affects (0 of 4 stars; one submission).

Conditions:
Langereis blood group. Also called: LANGEREIS BLOOD GROUP SYSTEM, LAN(-) PHENOTYPE. Identifiers: MedGen C3276339, OMIM 111600.

Submission:

Australian Red Cross Blood Service
Classification: Affects for Langereis blood group. Last evaluated: 2016-04-15. Review status: no assertion criteria provided. Collection method: clinical testing. Allele origin: unknown. Inheritance: Autosomal recessive inheritance. Affected: yes. Observed: 1 variant allele, 1 compound heterozygote.
Comment: Suspected transfusion reaction. The c.1656-1G>A splice site variant is part of a compound heterozygote (together with ABCB6:c.1118_1124delCGGATCG). This compound heterozygote is the only variation from the reference sequence for ABCB6.

NM_005689.4(ABCB6):c.1656-1G>A

Gene: ABCB6 (ATP binding cassette subfamily B member 6 (LAN blood group); minus strand). Cytogenetic location: 2q35.
Variant type: single nucleotide variant.
Coding change: c.1656-1G>A on transcript NM_005689.4 (MANE Select); the canonical splice acceptor site of the intron before coding-DNA position 1656, G replaced by A.
Molecular consequence: splice acceptor variant.
Genome position (GRCh38, 1-based): chr2:219,213,503, C>T on the plus strand (G>A on the coding strand, the complement: ABCB6 is on the minus strand). VCF-style: chr2-219213503-C-T. GRCh37 (hg19) VCF-style: chr2-220078225-C-T.
Other names: c.1518-1G>A (NM_001349828.2).
Identifiers: ClinVar variation 253007 (VCV000253007.3), dbSNP rs879255549, ClinGen allele CA10586153.